The following is an entry in ClinVar:

NM_002204.4(ITGA3):c.1219A>G (p.Lys407Glu)

Gene: ITGA3 (integrin subunit alpha 3; plus strand). Cytogenetic location: 17q21.33.
Variant type: single nucleotide variant.
Coding change: c.1219A>G on transcript NM_002204.4 (MANE Select); coding-DNA position 1219, A replaced by G.
Protein change: p.Lys407Glu; replaces lysine 407 with glutamic acid.
Molecular consequence: missense variant.
Genome position (GRCh38, 1-based): chr17:50,073,978, A>G. VCF-style: chr17-50073978-A-G. GRCh37 (hg19) VCF-style: chr17-48151342-A-G.
Other names: short protein forms K407E.
Identifiers: ClinVar variation 3764610 (VCV003764610.1).

ClinVar aggregate classification (germline): Uncertain significance (1 of 4 stars; one submission).

Conditions:
Epidermolysis bullosa, junctional 7, with interstitial lung disease and nephrotic syndrome. Also called: Interstitial lung disease, nephrotic syndrome, and epidermolysis bullosa, congenital; Interstitial Lung Disease with Nephrotic Syndrome and Epidermolysis Bullosa. Identifiers: Orphanet 306504, MedGen C4518785, MONDO:0013881, OMIM 614748.

Submission:

Daryl Scott Lab, Baylor College of Medicine
Classification: Uncertain significance for Epidermolysis bullosa, junctional 7, with interstitial lung disease and nephrotic syndrome. Last evaluated: 2024-01-01. Review status: criteria provided, single submitter. Criteria: ACMG Guidelines, 2015. Collection method: clinical testing. Allele origin: biparental. Observed: 1 homozygote.
Comment: PM2